The following is an entry in ClinVar:

ClinVar aggregate classification (germline): Uncertain significance (1 of 4 stars; one submission).

Submission:

Labcorp Genetics (formerly Invitae), Labcorp
Classification: Uncertain significance. Last evaluated: 2024-02-24. Review status: criteria provided, single submitter. Criteria: Invitae Variant Classification Sherloc (09022015). Collection method: clinical testing. Allele origin: germline.
Comment: This sequence change replaces isoleucine, which is neutral and non-polar, with phenylalanine, which is neutral and non-polar, at codon 276 of the NEDD4L protein (p.Ile276Phe). This variant is not present in population databases (gnomAD no frequency). This variant has not been reported in the literature in individuals affected with NEDD4L-related conditions. ClinVar contains an entry for this variant (Variation ID: 1479185). Advanced modeling of protein sequence and biophysical properties (such as structural, functional, and spatial information, amino acid conservation, physicochemical variation, residue mobility, and thermodynamic stability) performed at Invitae indicates that this missense variant is not expected to disrupt NEDD4L protein function with a negative predictive value of 80%. In summary, the available evidence is currently insufficient to determine the role of this variant in disease. Therefore, it has been classified as a Variant of Uncertain Significance.

NM_001144967.3(NEDD4L):c.826A>T (p.Ile276Phe)

Gene: NEDD4L (NEDD4 like E3 ubiquitin protein ligase; plus strand). Cytogenetic location: 18q21.31.
Variant type: single nucleotide variant.
Coding change: c.826A>T on transcript NM_001144967.3 (MANE Select); coding-DNA position 826, A replaced by T.
Protein change: p.Ile276Phe; replaces isoleucine 276 with phenylalanine.
Molecular consequence: missense variant.
Genome position (GRCh38, 1-based): chr18:58,330,750, A>T. VCF-style: chr18-58330750-A-T. GRCh37 (hg19) VCF-style: chr18-55997982-A-T.
Other names: c.463A>T, p.Ile155Phe (NM_001144964.1, NM_001144965.2, NM_001144966.3 and 2 more transcripts); c.802A>T, p.Ile268Phe (NM_001144968.2, NM_001144969.2); c.826A>T, p.Ile276Phe (NM_001243960.2, NM_015277.6); short protein forms I155F, I268F, I276F.
Identifiers: ClinVar variation 1479185 (VCV001479185.6), dbSNP rs2144696677, ClinGen allele CA402555361.